The following is an entry in ClinVar:

NM_018406.7(MUC4):c.4911T>C (p.Asn1637=)

Gene: MUC4 (mucin 4, cell surface associated). Cytogenetic location: 3q29.
Variant type: single nucleotide variant.
Coding change: c.4911T>C on transcript NM_018406.7 (MANE Select); coding-DNA position 4911, T replaced by C.
Protein change: p.Asn1637=; no amino-acid change (asparagine 1637 retained).
Molecular consequence: synonymous variant. On other transcripts: no sequence alteration (1), genic upstream transcript variant (2).
Genome position (GRCh38, 1-based): chr3:195,786,669, A>G on the plus strand (T>C on the coding strand, the complement: MUC4 is on the minus strand). VCF-style: chr3-195786669-A-G. GRCh37 (hg19) VCF-style: chr3-195513540-A-G.
Other names: c.6798=, p.Asp2266= (NM_001322468.1); c.83-12364T>C (NM_138297.5); c.83-8214T>C (NM_004532.6).
Identifiers: ClinVar variation 2654473 (VCV002654473.24), dbSNP rs201447574, ClinGen allele CA2774060.

ClinVar aggregate classification (germline): Likely benign (1 of 4 stars; one submission).

Allele frequency attached by ClinVar (database versions not stated): ExAC 0.00004.

Submission:

CeGaT Center for Human Genetics Tuebingen
Classification: Likely benign. Last evaluated: 2025-11-01. Review status: criteria provided, single submitter. Criteria: CeGaT Center For Human Genetics Tuebingen Variant Classification Criteria Version 2. Collection method: clinical testing. Allele origin: germline. Affected: yes. Observed: 4 variant alleles.
Comment: MUC4: BP4, BP7